The following is an entry in ClinVar:

ClinVar aggregate classification (germline): Uncertain significance (1 of 4 stars; one submission).

Submission:

Labcorp Genetics (formerly Invitae), Labcorp
Classification: Uncertain significance. Last evaluated: 2024-10-07. Review status: criteria provided, single submitter. Criteria: Invitae Variant Classification Sherloc (09022015). Collection method: clinical testing. Allele origin: germline.
Comment: This sequence change replaces arginine, which is basic and polar, with serine, which is neutral and polar, at codon 447 of the TRPC3 protein (p.Arg447Ser). This variant also falls at the last nucleotide of exon 4, which is part of the consensus splice site for this exon. This variant is not present in population databases (gnomAD no frequency). This variant has not been reported in the literature in individuals affected with TRPC3-related conditions. An algorithm developed to predict the effect of missense changes on protein structure and function (PolyPhen-2) suggests that this variant is likely to be tolerated. Variants that disrupt the consensus splice site are a relatively common cause of aberrant splicing (PMID: 17576681, 9536098). Algorithms developed to predict the effect of sequence changes on RNA splicing suggest that this variant may disrupt the consensus splice site. In summary, the available evidence is currently insufficient to determine the role of this variant in disease. Therefore, it has been classified as a Variant of Uncertain Significance.

Literature cited by the submitters: PubMed 17576681; PubMed 9536098.

NM_001130698.2(TRPC3):c.1341G>T (p.Arg447Ser)

Gene: TRPC3 (transient receptor potential cation channel subfamily C member 3; minus strand). Cytogenetic location: 4q27.
Variant type: single nucleotide variant.
Coding change: c.1341G>T on transcript NM_001130698.2 (MANE Select); coding-DNA position 1341, G replaced by T.
Protein change: p.Arg447Ser; replaces arginine 447 with serine.
Molecular consequence: missense variant.
Genome position (GRCh38, 1-based): chr4:121,914,780, C>A on the plus strand (G>T on the coding strand, the complement: TRPC3 is on the minus strand). VCF-style: chr4-121914780-C-A. GRCh37 (hg19) VCF-style: chr4-122835935-C-A.
Other names: c.1341G>T, p.Arg447Ser (NM_001366479.2); c.1122G>T, p.Arg374Ser (NM_003305.2); short protein forms R447S, R374S.
Identifiers: ClinVar variation 3678775 (VCV003678775.2).